The following is an entry in ClinVar:

ClinVar aggregate classification (germline): Pathogenic. Review status: criteria provided, multiple submitters, no conflicts (2 of 4 stars). 2 submissions from 2 submitters: Pathogenic (2). Last evaluated 2025-10-01.

Conditions:
Alstrom syndrome (ALMS). Identifiers: Orphanet 64, MedGen C0268425, MONDO:0008763, OMIM 203800.

Submissions (2):

3billion
Classification: Pathogenic for Alstrom syndrome. Last evaluated: 2025-10-01. Review status: criteria provided, single submitter. Criteria: ACMG Guidelines, 2015. Collection method: clinical testing. Allele origin: germline. Affected: yes.
Comment: The variant is not observed in the gnomAD v4.1.0 dataset. Predicted Consequence/Location: Frameshift: predicted to result in a loss or disruption of normal protein function through nonsense-mediated decay (NMD) or protein truncation. Multiple pathogenic variants are reported downstream of the variant. The variant has been reported to be associated with ALMS1-related disorder (ClinVar ID: VCV002132292). Therefore, this variant is classified as Pathogenic according to the recommendation of ACMG/AMP guideline.

Labcorp Genetics (formerly Invitae), Labcorp
Classification: Pathogenic for Alstrom syndrome. Last evaluated: 2022-08-22. Review status: criteria provided, single submitter. Criteria: Invitae Variant Classification Sherloc (09022015). Collection method: clinical testing. Allele origin: germline.
Comment: For these reasons, this variant has been classified as Pathogenic. This variant has not been reported in the literature in individuals affected with ALMS1-related conditions. This variant is not present in population databases (gnomAD no frequency). This sequence change creates a premature translational stop signal (p.Met982Asnfs*9) in the ALMS1 gene. It is expected to result in an absent or disrupted protein product. Loss-of-function variants in ALMS1 are known to be pathogenic (PMID: 17594715).

Literature cited by the submitters: PubMed 17594715 (cited by Labcorp Genetics (formerly Invitae), Labcorp).

NM_001378454.1(ALMS1):c.2941dup (p.Met981fs)

Gene: ALMS1 (ALMS1 centrosome and basal body associated protein; plus strand). Cytogenetic location: 2p13.1.
Variant type: Duplication.
Coding change: c.2941dup on transcript NM_001378454.1 (MANE Select); coding-DNA position 2941, one base duplicated (A; older notation c.2941dupA).
Protein change: p.Met981fs; shifts the reading frame from methionine 981.
Molecular consequence: frameshift variant.
Genome position (GRCh38, 1-based): chr2:73,449,468, A duplicated; the last of 4 consecutive A bases (chr2:73,449,465-73,449,468); duplicating any one gives the same sequence. VCF-style (leftmost placement, unchanged base first): chr2-73449464-G-GA. GRCh37 (hg19) VCF-style: chr2-73676591-G-GA.
Other names: c.2944dup, p.Met982fs (NM_015120.4); short protein forms M982fs, M981fs.
Identifiers: ClinVar variation 2132292 (VCV002132292.5), dbSNP rs2466096352, ClinGen allele CA2580067900.
Genomic context (GRCh38, chr2:73,449,464, plus strand): 5'-GAAATCTAGTGTTTTCTACCAGCAAGAGTTGCCAGACAGTGATCTACCTAGAGAATCTCT[G>GA]AAAATGTCTGCTATTCCTGGACTGACTGACCAGAAGACTGTCCCAACACCAACAGTACCT-3'